The following is an entry in ClinVar:

NM_001291303.3(FAT4):c.11309G>A (p.Arg3770Gln)

Gene: FAT4 (FAT atypical cadherin 4; plus strand). Cytogenetic location: 4q28.1.
Variant type: single nucleotide variant.
Coding change: c.11309G>A on transcript NM_001291303.3 (MANE Select); coding-DNA position 11309, G replaced by A.
Protein change: p.Arg3770Gln; replaces arginine 3770 with glutamine.
Molecular consequence: missense variant.
Genome position (GRCh38, 1-based): chr4:125,452,319, G>A. VCF-style: chr4-125452319-G-A. GRCh37 (hg19) VCF-style: chr4-126373474-G-A.
Other names: c.11309G>A, p.Arg3770Gln (NM_001291285.3); c.11303G>A, p.Arg3768Gln (NM_024582.6); short protein forms R3768Q, R3770Q.
Identifiers: ClinVar variation 1309899 (VCV001309899.7), dbSNP rs540725305, ClinGen allele CA3073825.
Genomic context (GRCh38, chr4:125,452,319, plus strand): 5'-TGCAACTGTACAGTGCATATGAAGAGAACAATAGAACGTTTCTTTTGGCAGCTGTGAAGC[G>A]AAATCATAATCAGTATGTGAATCCCAGTGGCGTAGCCACCTTCTTTGAAAGCATCAAAGA-3'
Protein context (NP_001278232.1, residues 3760-3780): NRTFLLAAVK[Arg3770Gln]NHNQYVNPSG

ClinVar aggregate classification (germline): Uncertain significance. Review status: criteria provided, multiple submitters, no conflicts (2 of 4 stars). 3 submissions from 3 submitters: Uncertain significance (3). Last evaluated 2022-07-05.

Allele frequency attached by ClinVar (database versions not stated): gnomAD 0.00003; gnomAD exomes 0.00003 and 0.00005; ExAC 0.00005; 1000 Genomes Project 30x 0.00016; 1000 Genomes Project 0.00020.

Submissions (3):

Labcorp Genetics (formerly Invitae), Labcorp
Classification: Uncertain significance. Last evaluated: 2022-07-05. Review status: criteria provided, single submitter. Criteria: Invitae Variant Classification Sherloc (09022015). Collection method: clinical testing. Allele origin: germline.
Comment: This sequence change replaces arginine, which is basic and polar, with glutamine, which is neutral and polar, at codon 3768 of the FAT4 protein (p.Arg3768Gln). This variant is present in population databases (rs540725305, gnomAD 0.04%). This variant has not been reported in the literature in individuals affected with FAT4-related conditions. ClinVar contains an entry for this variant (Variation ID: 1309899). Advanced modeling of protein sequence and biophysical properties (such as structural, functional, and spatial information, amino acid conservation, physicochemical variation, residue mobility, and thermodynamic stability) performed at Invitae indicates that this missense variant is not expected to disrupt FAT4 protein function. In summary, the available evidence is currently insufficient to determine the role of this variant in disease. Therefore, it has been classified as a Variant of Uncertain Significance.

Blueprint Genetics
Classification: Uncertain significance. Last evaluated: 2020-06-01. Review status: criteria provided, single submitter. Criteria: ACMG Guidelines, 2015. Collection method: clinical testing. Allele origin: germline.

GeneDx
Classification: Uncertain significance. Last evaluated: 2019-10-25. Review status: criteria provided, single submitter. Criteria: GeneDx Variant Classification Process June 2021. Collection method: clinical testing. Allele origin: germline. Affected: yes.
Comment: In silico analysis, which includes protein predictors and evolutionary conservation, supports that this variant does not alter protein structure/function; Has not been previously published as pathogenic or benign to our knowledge